The following is an entry in ClinVar:

ClinVar aggregate classification (germline): Uncertain significance. Review status: criteria provided, single submitter (1 of 4 stars). 2 submissions from 2 submitters: Uncertain significance (1). 1 of the submissions does not count toward it. Last evaluated 2022-08-16.

Allele frequency attached by ClinVar (database versions not stated): ExAC 0.00001; TOPMed 0.00002; gnomAD 0.00003 and 0.00004; gnomAD exomes 0.00003.

Submissions (2):

Labcorp Genetics (formerly Invitae), Labcorp
Classification: Uncertain significance. Last evaluated: 2022-08-16. Review status: criteria provided, single submitter. Criteria: Invitae Variant Classification Sherloc (09022015). Collection method: clinical testing. Allele origin: germline.
Comment: This sequence change replaces glutamine, which is neutral and polar, with leucine, which is neutral and non-polar, at codon 678 of the SLC25A12 protein (p.Gln678Leu). This variant is present in population databases (rs768492510, gnomAD 0.007%). This variant has not been reported in the literature in individuals affected with SLC25A12-related conditions. In summary, the available evidence is currently insufficient to determine the role of this variant in disease. Therefore, it has been classified as a Variant of Uncertain Significance.

Mayo Clinic Laboratories, Mayo Clinic
Classification: Uncertain significance. Last evaluated: 2017-11-08. Review status: no assertion criteria provided. Collection method: clinical testing. Allele origin: unknown. Not counted in ClinVar's aggregate classification.

NM_003705.5(SLC25A12):c.2033A>T (p.Gln678Leu)

Gene: SLC25A12 (solute carrier family 25 member 12; minus strand). Cytogenetic location: 2q31.1.
Variant type: single nucleotide variant.
Coding change: c.2033A>T on transcript NM_003705.5 (MANE Select); coding-DNA position 2033, A replaced by T.
Protein change: p.Gln678Leu; replaces glutamine 678 with leucine.
Molecular consequence: missense variant. On other transcripts: non-coding transcript variant (1).
Genome position (GRCh38, 1-based): chr2:171,785,278, T>A on the plus strand (A>T on the coding strand, the complement: SLC25A12 is on the minus strand). VCF-style: chr2-171785278-T-A. GRCh37 (hg19) VCF-style: chr2-172641788-T-A.
Other names: short protein forms Q678L.
Identifiers: ClinVar variation 559283 (VCV000559283.11), dbSNP rs768492510, ClinGen allele CA1965981.